The following is an entry in ClinVar:

NM_002296.4(LBR):c.*1361T>C

Gene: LBR (lamin B receptor; minus strand). Cytogenetic location: 1q42.12.
Variant type: single nucleotide variant.
Coding change: c.*1361T>C on transcript NM_002296.4 (MANE Select); 1361 bases downstream of the stop codon, T replaced by C.
Molecular consequence: 3 prime UTR variant.
Genome position (GRCh38, 1-based): chr1:225,401,942, A>G on the plus strand (T>C on the coding strand, the complement: LBR is on the minus strand). VCF-style: chr1-225401942-A-G. GRCh37 (hg19) VCF-style: chr1-225589644-A-G.
Other names: c.*1361T>C (NM_194442.3).
Identifiers: ClinVar variation 295918 (VCV000295918.6), dbSNP rs14205, ClinGen allele CA10609332.
Genomic context (GRCh38, chr1:225,401,942, plus strand): 5'-CTTCAAATGCAGTATAGAATTAACACTGCATATCTAAATGGCTCATATATAAAATGTGTA[A>G]TTAAAACCCAAACATACACACTATGTTTATTACATTCCCCTACATTGAAAGTACTGAGAA-3'

ClinVar aggregate classification (germline): Benign. Review status: criteria provided, multiple submitters, no conflicts (2 of 4 stars). 2 submissions from 2 submitters: Benign (2). Last evaluated 2018-01-13.

Conditions:
Greenberg dysplasia (GRBGD). Also called: CHONDRODYSTROPHY, HYDROPIC AND PRENATALLY LETHAL TYPE; MOTH-EATEN SKELETAL DYSPLASIA; HEM SKELETAL DYSPLASIA. Identifiers: Orphanet 1426, MedGen C2931048, MONDO:0008974, OMIM 215140.

Allele frequency attached by ClinVar (database versions not stated): 1000 Genomes Project 30x 0.08432; 1000 Genomes Project 0.08466; gnomAD 0.09705 and 0.09799; TOPMed 0.09774; gnomAD exomes 0.33333.
gnomAD v4.1: 14,967 of 152,284 alleles (9.8%); highest among the groups gnomAD compares: South Asian, 14%; 854 homozygotes.

Submissions (2):

Illumina Laboratory Services, Illumina
Classification: Benign for Greenberg dysplasia. Last evaluated: 2018-01-13. Review status: criteria provided, single submitter. Criteria: ICSL Variant Classification Criteria 13 December 2019. Collection method: clinical testing. Allele origin: germline.
Comment: This variant was observed in the ICSL laboratory as part of a predisposition screen in an ostensibly healthy population. It had not been previously curated by ICSL or reported in the Human Gene Mutation Database (HGMD: prior to June 1st, 2018), and was therefore a candidate for classification through an automated scoring system. Utilizing variant allele frequency, disease prevalence and penetrance estimates, and inheritance mode, an automated score was calculated to assess if this variant is too frequent to cause the disease. Based on the score and internal cut-off values, a variant classified as benign is not then subjected to further curation. The score for this variant resulted in a classification of benign for this disease.

Breakthrough Genomics
Classification: Benign. Review status: criteria provided, single submitter. Criteria: ACMG Guidelines, 2015. Collection method: not provided. Allele origin: germline. Inheritance: Autosomal recessive inheritance. Affected: yes.